The following is an entry in ClinVar:

ClinVar aggregate classification (germline): Uncertain significance (1 of 4 stars; one submission).

Submission:

GeneDx
Classification: Uncertain significance. Last evaluated: 2025-07-30. Review status: criteria provided, single submitter. Criteria: GeneDx Variant Classification Process June 2021. Collection method: clinical testing. Allele origin: germline. Affected: yes.
Comment: Not observed at significant frequency in large population cohorts (gnomAD); In silico analysis supports that this missense variant has a deleterious effect on protein structure/function; Has not been previously published as pathogenic or benign to our knowledge; This variant is associated with the following publications: (PMID: 29209020)

NM_017934.7(PHIP):c.329G>T (p.Arg110Leu)

Gene: PHIP (PHIP subunit of CUL4-Ring ligase complex; minus strand). Cytogenetic location: 6q14.1.
Variant type: single nucleotide variant.
Coding change: c.329G>T on transcript NM_017934.7 (MANE Select); coding-DNA position 329, G replaced by T.
Protein change: p.Arg110Leu; replaces arginine 110 with leucine.
Molecular consequence: missense variant.
Genome position (GRCh38, 1-based): chr6:79,060,679, C>A on the plus strand (G>T on the coding strand, the complement: PHIP is on the minus strand). VCF-style: chr6-79060679-C-A. GRCh37 (hg19) VCF-style: chr6-79770396-C-A.
Other names: short protein forms R110L.
Identifiers: ClinVar variation 3372074 (VCV003372074.2).
Genomic context (GRCh38, chr6:79,060,679, plus strand): 5'-ACAAAAGTGAGATAAATAATGTCTAAATCCTATGAGAAAATTTTCATACTTTTATTTGTG[C>A]GTAGTAAAGACTGTCTTCCAGCTCCTAATAAAGTTTGTACTCCAGGAACACTTTGAGGAA-3'
Protein context (NP_060404.4, residues 100-120): LLGAGRQSLL[Arg110Leu]TNKSCKHVVW